The following is an entry in ClinVar:

ClinVar aggregate classification (germline): Likely pathogenic (1 of 4 stars; one submission).

Conditions:
Intellectual disability-facial dysmorphism syndrome due to SETD5 haploinsufficiency (MRD23). Also called: Intellectual developmental disorder, autosomal dominant 23. Identifiers: Orphanet 404440, MedGen C3810406, MONDO:0014336, OMIM 615761.

Submission:

Juno Genomics, Hangzhou Juno Genomics, Inc
Classification: Likely pathogenic for Intellectual disability-facial dysmorphism syndrome due to SETD5 haploinsufficiency. Review status: criteria provided, single submitter. Criteria: ACMG Guidelines, 2015. Collection method: clinical testing. Allele origin: germline. Affected: yes.
Comment: Absent from controls (or at extremely low frequency if recessive) in Genome Aggregation Database.;Null variant in a gene where loss of function (LOF) is a known mechanism of disease.

NM_001080517.3(SETD5):c.1900_1901delinsG (p.Lys634fs)

Gene: SETD5 (SET domain containing 5; plus strand). Cytogenetic location: 3p25.3.
Variant type: Indel.
Coding change: c.1900_1901delinsG on transcript NM_001080517.3 (MANE Select); coding-DNA positions 1900 to 1901, AA replaced by G.
Protein change: p.Lys634fs; shifts the reading frame from lysine 634.
Molecular consequence: frameshift variant.
Genome position (GRCh38, 1-based): chr3:9,447,803-9,447,804, AA replaced by G. VCF-style: chr3-9447803-AA-G. GRCh37 (hg19) VCF-style: chr3-9489487-AA-G.
Other names: c.1606_1607delinsG, p.Lys536fs (NM_001292043.2, NM_001349451.2); c.1996_1997delinsG, p.Lys666fs (NM_001437633.1); c.1957_1958delinsG, p.Lys653fs (NM_001437635.1); c.1900_1901delinsG, p.Lys634fs (NM_001437643.1); c.1939_1940delinsG, p.Lys647fs (NM_001437701.1); short protein forms K634fs, K536fs, K647fs, K653fs, K666fs.
Identifiers: ClinVar variation 5007677 (VCV005007677.1).